The following is an entry in ClinVar:

NM_001025356.3(ANO6):c.757C>T (p.Arg253Cys)

Gene: ANO6 (anoctamin 6; plus strand). Cytogenetic location: 12q12.
Variant type: single nucleotide variant.
Coding change: c.757C>T on transcript NM_001025356.3 (MANE Select); coding-DNA position 757, C replaced by T.
Protein change: p.Arg253Cys; replaces arginine 253 with cysteine.
Molecular consequence: missense variant.
Genome position (GRCh38, 1-based): chr12:45,350,668, C>T. VCF-style: chr12-45350668-C-T. GRCh37 (hg19) VCF-style: chr12-45744451-C-T.
Other names: c.703C>T, p.Arg235Cys (NM_001142678.2); c.757C>T, p.Arg253Cys (NM_001142679.2); c.820C>T, p.Arg274Cys (NM_001204803.2); c.724C>T, p.Arg242Cys (NM_001410973.1); c.757C>T (NM_001025356.2); short protein forms R235C, R253C, R274C, R242C.
Identifiers: ClinVar variation 2180993 (VCV002180993.2), dbSNP rs368602020, ClinGen allele CA6525083.

ClinVar aggregate classification (germline): Uncertain significance. Review status: criteria provided, multiple submitters, no conflicts (2 of 4 stars). 2 submissions from 2 submitters: Uncertain significance (2). Last evaluated 2024-03-07.

Conditions:
Inborn genetic diseases. Identifiers: MedGen C0950123, MeSH D030342.

Allele frequency attached by ClinVar (database versions not stated): gnomAD 0.00003; TOPMed 0.00004; ExAC 0.00007; ESP Exome Variant Server 0.00008.

Submissions (2):

Ambry Genetics
Classification: Uncertain significance for Inborn genetic diseases. Last evaluated: 2024-03-07. Review status: criteria provided, single submitter. Criteria: Ambry Variant Classification Scheme 2023. Collection method: clinical testing. Allele origin: germline.

Labcorp Genetics (formerly Invitae), Labcorp
Classification: Uncertain significance. Last evaluated: 2022-06-28. Review status: criteria provided, single submitter. Criteria: Invitae Variant Classification Sherloc (09022015). Collection method: clinical testing. Allele origin: germline.
Comment: This sequence change replaces arginine, which is basic and polar, with cysteine, which is neutral and slightly polar, at codon 253 of the ANO6 protein (p.Arg253Cys). This variant is present in population databases (rs368602020, gnomAD 0.01%). This variant has not been reported in the literature in individuals affected with ANO6-related conditions. Advanced modeling of protein sequence and biophysical properties (such as structural, functional, and spatial information, amino acid conservation, physicochemical variation, residue mobility, and thermodynamic stability) performed at Invitae indicates that this missense variant is not expected to disrupt ANO6 protein function. In summary, the available evidence is currently insufficient to determine the role of this variant in disease. Therefore, it has been classified as a Variant of Uncertain Significance.